The following is an entry in ClinVar:

NM_000515.5(GH1):c.217A>G (p.Asn73Asp)

Genes: GH-LCR (growth hormone locus control region; plus strand), GH1 (growth hormone 1; minus strand). Cytogenetic location: 17q23.3.
Variant type: single nucleotide variant.
Coding change: c.217A>G on transcript NM_000515.5 (MANE Select); coding-DNA position 217, A replaced by G.
Protein change: p.Asn73Asp; replaces asparagine 73 with aspartic acid.
Molecular consequence: missense variant. On other transcripts: intron variant (1).
Genome position (GRCh38, 1-based): chr17:63,918,091, T>C on the plus strand (A>G on the coding strand, the complement: GH1 is on the minus strand). VCF-style: chr17-63918091-T-C. GRCh37 (hg19) VCF-style: chr17-61995451-T-C.
Other names: c.172A>G, p.Asn58Asp (NM_022559.4); c.172-167A>G (NM_022560.4); short protein forms N73D, N58D.
Identifiers: ClinVar variation 431860 (VCV000431860.14), dbSNP rs71640276, ClinGen allele CA8708289.
Genomic context (GRCh38, chr17:63,918,091, plus strand): 5'-TTTCCTCCCTGTTGGAGGGTGTCGGAATAGACTCTGAGAAACAGAGGGAGGTCTGGGGGT[T>C]CTGCAGGAATGAATACTTCTGTTCCTTTGGGATATAGGCTTCTTCCTAGGAGAAGGACCG-3'
Protein context (NP_000506.2, residues 63-83): PKEQKYSFLQ[Asn73Asp]PQTSLCFSES

ClinVar aggregate classification (germline): Uncertain significance. Review status: criteria provided, multiple submitters, no conflicts (2 of 4 stars). 6 submissions from 6 submitters: Uncertain significance (6). Last evaluated 2024-11-27.

Conditions:
Ateleiotic dwarfism (IGHD1A). Also called: Isolated growth hormone deficiency type 1A; Growth hormone deficiency, isolated autosomal recessive; ILLIG type growth hormone deficiency; Pituitary dwarfism 1; PITUITARY DWARFISM I; SEXUAL ATELEIOTIC DWARFISM. Identifiers: Orphanet 231662, Orphanet 631, MedGen C0342573, MONDO:0009876, OMIM 262400.

Allele frequency attached by ClinVar (database versions not stated): gnomAD exomes 0.00016 and 0.00042; ExAC 0.00018; TOPMed 0.00021; gnomAD 0.00026 and 0.00027; ESP Exome Variant Server 0.00038.

Submissions (6):

Women's Health and Genetics/Laboratory Corporation of America, LabCorp
Classification: Uncertain significance. Last evaluated: 2024-11-27. Review status: criteria provided, single submitter. Criteria: LabCorp Variant Classification Summary - May 2015. Collection method: clinical testing. Allele origin: germline.
Comment: Variant summary: GH1 c.217A>G (p.Asn73Asp), also reported as N47D, results in a conservative amino acid change located in the Somatotropin hormone family domain (IPR001400) of the encoded protein sequence. Three of five in-silico tools predict a benign effect of the variant on protein function. The variant allele was found at a frequency of 0.00016 in 251420 control chromosomes. This frequency is not significantly higher than estimated for a pathogenic variant in GH1 causing Idiopathic Growth Hormone Deficiency (0.00016 vs 0.011), allowing no conclusion about variant significance. c.217A>G has been reported in the literature in the heterozygous state in at least 2 individuals affected with autosomal dominant Idiopathic Growth Hormone Deficiency (example, Coker_2009, Tenenbaum-Rakover_2010). This variant was also observed in a heterozygous control individual (Millar_2003). These data indicate that the variant may be associated with disease. At least one publication reports experimental evidence evaluating an impact on protein function. The most pronounced variant effect results in 30%-50% of normal activity in vitro (example, Millar_2003). The following publications have been ascertained in the context of this evaluation (PMID: 20020582, 10462528, 12655557, 20583544). ClinVar contains an entry for this variant (Variation ID: 431860). Based on the evidence outlined above, the variant was classified as VUS-possibly pathogenic.

Labcorp Genetics (formerly Invitae), Labcorp
Classification: Uncertain significance. Last evaluated: 2024-10-23. Review status: criteria provided, single submitter. Criteria: Invitae Variant Classification Sherloc (09022015). Collection method: clinical testing. Allele origin: germline.
Comment: This sequence change replaces asparagine, which is neutral and polar, with aspartic acid, which is acidic and polar, at codon 73 of the GH1 protein (p.Asn73Asp). This variant is present in population databases (rs71640276, gnomAD 0.03%). This variant has not been reported in the literature in individuals affected with GH1-related conditions. ClinVar contains an entry for this variant (Variation ID: 431860). An algorithm developed to predict the effect of missense changes on protein structure and function (PolyPhen-2) suggests that this variant is likely to be tolerated. Experimental studies have shown that this missense change affects GH1 function (PMID: 12655557). Algorithms developed to predict the effect of sequence changes on RNA splicing suggest that this variant may create or strengthen a splice site. In summary, the available evidence is currently insufficient to determine the role of this variant in disease. Therefore, it has been classified as a Variant of Uncertain Significance.

GeneDx
Classification: Uncertain significance. Last evaluated: 2024-10-16. Review status: criteria provided, single submitter. Criteria: GeneDx Variant Classification Process June 2021. Collection method: clinical testing. Allele origin: germline. Affected: yes.
Comment: In silico analysis supports that this missense variant has a deleterious effect on protein structure/function; Has not been previously published in association with a GH1-related disorder; This variant is associated with the following publications: (PMID: 12655557, 34426522)

Blueprint Genetics
Classification: Uncertain significance. Last evaluated: 2024-08-06. Review status: criteria provided, single submitter. Criteria: ACMG Guidelines, 2015. Collection method: clinical testing. Allele origin: germline.

Institute of Human Genetics, University of Leipzig Medical Center
Classification: Uncertain significance for Ateleiotic dwarfism. Last evaluated: 2019-01-01. Review status: criteria provided, single submitter. Criteria: ACMG Guidelines, 2015. Collection method: clinical testing. Allele origin: unknown. Affected: yes.

Eurofins Ntd Llc (ga)
Classification: Uncertain significance. Last evaluated: 2018-08-13. Review status: criteria provided, single submitter. Criteria: EGL ClinVar v180209 classification definitions. Collection method: clinical testing. Allele origin: germline. Observed: 1 variant allele, 1 heterozygote.

Literature cited by the submitters: PubMed 12655557 (cited by Women's Health and Genetics/Laboratory Corporation of America, LabCorp and Labcorp Genetics (formerly Invitae), Labcorp); PubMed 10462528 (cited by Women's Health and Genetics/Laboratory Corporation of America, LabCorp); PubMed 20020582 (cited by Women's Health and Genetics/Laboratory Corporation of America, LabCorp); PubMed 20583544 (cited by Women's Health and Genetics/Laboratory Corporation of America, LabCorp).